The following is an entry in ClinVar:

ClinVar aggregate classification (germline): Likely pathogenic (1 of 4 stars; one submission).

Conditions:
Ataxia-telangiectasia syndrome (AT). Also called: AT, COMPLEMENTATION GROUP C; Ataxia telangiectasia (A-T); Cerebello-oculocutaneous telangiectasia; Immunodeficiency with ataxia telangiectasia; LOUIS-BAR SYNDROME; Ataxia-telangiectasia. Identifiers: Orphanet 100, MedGen C0004135, MONDO:0008840, OMIM 208900.

Submission:

Labcorp Genetics (formerly Invitae), Labcorp
Classification: Likely pathogenic for Ataxia-telangiectasia syndrome. Last evaluated: 2025-07-28. Review status: criteria provided, single submitter. Criteria: Invitae Variant Classification Sherloc (09022015). Collection method: clinical testing. Allele origin: germline.
Comment: This sequence change falls in intron 20 of the ATM gene. It does not directly change the encoded amino acid sequence of the ATM protein. RNA analysis indicates that this variant induces altered splicing and may result in an absent or altered protein product. This variant is not present in population databases (gnomAD no frequency). This variant has not been reported in the literature in individuals affected with ATM-related conditions. ClinVar contains an entry for this variant (Variation ID: 963957). Studies have shown that this variant results in skipping of exon 21, and produces a non-functional protein and/or introduces a premature termination codon (internal data). In summary, the currently available evidence indicates that the variant is pathogenic, but additional data are needed to prove that conclusively. Therefore, this variant has been classified as Likely Pathogenic.

NM_000051.4(ATM):c.3078-9T>G

Gene: ATM (ATM serine/threonine kinase; plus strand). Cytogenetic location: 11q22.3.
Variant type: single nucleotide variant.
Coding change: c.3078-9T>G on transcript NM_000051.4 (MANE Select); 9 bases into the intron before coding-DNA position 3078, T replaced by G.
Molecular consequence: intron variant.
Genome position (GRCh38, 1-based): chr11:108,272,523, T>G. VCF-style: chr11-108272523-T-G. GRCh37 (hg19) VCF-style: chr11-108143250-T-G.
Other names: c.3078-9T>G (NM_001351834.2).
Identifiers: ClinVar variation 963957 (VCV000963957.9), dbSNP rs2081637337, ClinGen allele CA1139662219.